The following is an entry in ClinVar:

NM_007294.4(BRCA1):c.3188_3189delinsG (p.Gly1062_Ser1063insTer)

Gene: BRCA1 (BRCA1 DNA repair associated; minus strand). Cytogenetic location: 17q21.31.
Variant type: Indel.
Coding change: c.3188_3189delinsG on transcript NM_007294.4 (MANE Select); coding-DNA positions 3188 to 3189, CC replaced by G.
Protein change: p.Gly1062_Ser1063insTer.
Molecular consequence: nonsense. On other transcripts: intron variant (137).
Genome position (GRCh38, 1-based): chr17:43,092,342-43,092,343, GG replaced by C on the plus strand (CC replaced by G on the coding strand, the reverse complement: BRCA1 is on the minus strand). VCF-style: chr17-43092342-GG-C. GRCh37 (hg19) VCF-style: chr17-41244359-GG-C.
Other names: 3307delCCinsG; c.2975_2976delinsG, p.Gly991_Ser992insTer (NM_001407571.1, NM_001407853.1, NM_001407894.1 and 9 more transcripts); c.3188_3189delinsG, p.Gly1062_Ser1063insTer (NM_001407581.1, NM_001407582.1, NM_001407583.1 and 30 more transcripts); c.3185_3186delinsG, p.Gly1061_Ser1062insTer (NM_001407587.1, NM_001407590.1, NM_001407591.1 and 22 more transcripts); c.3179_3180delinsG, p.Gly1059_Ser1060insTer (NM_001407646.1, NM_001407647.1); c.3065_3066delinsG, p.Gly1021_Ser1022insTer (NM_001407648.1, NM_001407664.1, NM_001407665.1 and 19 more transcripts); c.3062_3063delinsG, p.Gly1020_Ser1021insTer (NM_001407649.1, NM_001407670.1, NM_001407671.1 and 11 more transcripts); c.3110_3111delinsG, p.Gly1036_Ser1037insTer (NM_001407653.1, NM_001407654.1, NM_001407655.1 and 4 more transcripts); and 42 more.
Identifiers: ClinVar variation 54794 (VCV000054794.5), dbSNP rs273899701, ClinGen allele CA002076.

ClinVar aggregate classification (germline): Pathogenic. Review status: reviewed by expert panel (3 of 4 stars). 3 submissions from 3 submitters: Pathogenic (1). 2 of the submissions do not count toward it. Last evaluated 2016-09-08.

Conditions:
Breast-ovarian cancer, familial, susceptibility to, 1 (BROVCA1). Also called: OVARIAN CANCER, SUSCEPTIBILITY TO; BRCA1 Hereditary Breast and Ovarian Cancer. Identifiers: Orphanet 145, MedGen C2676676, MONDO:0011450, OMIM 604370. Disease mechanism: loss of function.

Submissions (3):

Evidence-based Network for the Interpretation of Germline Mutant Alleles (ENIGMA)
Classification: Pathogenic for Breast-ovarian cancer, familial, susceptibility to, 1. Last evaluated: 2016-09-08. Review status: reviewed by expert panel. Criteria: ENIGMA BRCA1/2 Classification Criteria (2015). Collection method: curation. Allele origin: germline.
Comment: Variant allele predicted to encode a truncated non-functional protein.

Department of Clinical Genetics, Copenhagen University Hospital, Rigshospitalet
Classification: Pathogenic for Breast-ovarian cancer, familial, susceptibility to, 1. Last evaluated: 2024-05-27. Review status: criteria provided, single submitter. Criteria: ACMG Guidelines, 2015. Collection method: clinical testing. Allele origin: germline. Affected: yes. Not counted in ClinVar's aggregate classification.
Comment: PVS1; PM2_supporting; PM5_PTC_Strong

Breast Cancer Information Core (BIC) (BRCA1)
Classification: Pathogenic for Breast-ovarian cancer, familial 1. Last evaluated: 2004-02-20. Review status: no assertion criteria provided. Collection method: clinical testing. Allele origin: germline. Affected: yes. Observed: 1 variant allele. Not counted in ClinVar's aggregate classification.